The following is an entry in ClinVar:

ClinVar aggregate classification (germline): Benign/Likely benign. Review status: criteria provided, multiple submitters, no conflicts (2 of 4 stars). 8 submissions from 6 submitters: Benign (4); Likely benign (4). Last evaluated 2026-02-04.

Conditions:
Thrombophilia due to thrombin defect (THPH1). Also called: Thrombosis susceptibility; THROMBOPHILIA DUE TO FACTOR 2 DEFECT; Prothrombin-Related Thrombophilia (Factor II); Prothrombin Thrombophilia. Identifiers: MedGen C3160733, MONDO:0008559, OMIM 188050. Disease mechanism: gain of function, loss of function.
Congenital factor V deficiency. Also called: LABILE FACTOR DEFICIENCY; OWREN PARAHEMOPHILIA; PARAHEMOPHILIA; Hereditary factor V deficiency disease. Identifiers: Orphanet 326, MedGen C0015499, MONDO:0009210, OMIM 227400.
Budd-Chiari syndrome (BDCHS). Also called: Hepatic vein obstruction. Identifiers: Orphanet 131, MedGen C0856761, MONDO:0010947, OMIM 600880, HP:0002639.
Factor V deficiency. Also called: Reduced coagulation factor V activity. Identifiers: Orphanet 326, MedGen C4317320, MONDO:0020586, HP:0003225.

Allele frequency attached by ClinVar (database versions not stated): 1000 Genomes Project 30x 0.04934; 1000 Genomes Project 0.05012; ESP Exome Variant Server 0.05636; TOPMed 0.05903; gnomAD 0.06350 and 0.06449; ExAC 0.07182; gnomAD exomes 0.07461 and 0.07559.
gnomAD v4.1: 118,742 of 1,613,272 alleles (7.4%); highest among the groups gnomAD compares: Admixed American, 10%; 4,955 homozygotes.

Submissions (8):

Labcorp Genetics (formerly Invitae), Labcorp
Classification: Benign for Congenital factor V deficiency. Last evaluated: 2026-02-04. Review status: criteria provided, single submitter. Criteria: Invitae Variant Classification Sherloc (09022015). Collection method: clinical testing. Allele origin: germline.

Mayo Clinic Laboratories, Mayo Clinic
Classification: Benign. Last evaluated: 2022-10-24. Review status: criteria provided, single submitter. Criteria: ACMG Guidelines, 2015. Collection method: clinical testing. Allele origin: germline. Observed: 32 variant alleles.
Comment: BA1, BS2, BP4

GeneDx
Classification: Benign. Last evaluated: 2021-05-04. Review status: criteria provided, single submitter. Criteria: GeneDx Variant Classification Process June 2021. Collection method: clinical testing. Allele origin: germline. Affected: yes.
Comment: This variant is associated with the following publications: (PMID: 15450391)

Illumina Laboratory Services, Illumina
Classification: Likely benign for Budd-Chiari syndrome. Last evaluated: 2017-04-27. Review status: criteria provided, single submitter. Criteria: ICSL Variant Classification Criteria 13 December 2019. Collection method: clinical testing. Allele origin: germline.
Comment: This variant was observed as part of a predisposition screen in an ostensibly healthy population. A literature search was performed for the gene, cDNA change, and amino acid change (where applicable). No publications were found based on this search. Allele frequency data from public databases allowed determination this variant is unlikely to cause disease. Therefore, this variant is classified as likely benign.

Illumina Laboratory Services, Illumina
Classification: Likely benign for Congenital factor V deficiency. Last evaluated: 2017-04-27. Review status: criteria provided, single submitter. Criteria: ICSL Variant Classification Criteria 13 December 2019. Collection method: clinical testing. Allele origin: germline.
Comment: the same text as in the submission from Illumina Laboratory Services, Illumina above.

Illumina Laboratory Services, Illumina
Classification: Likely benign for Venous thrombosis. Last evaluated: 2017-04-27. Review status: criteria provided, single submitter. Criteria: ICSL Variant Classification Criteria 13 December 2019. Collection method: clinical testing. Allele origin: germline.
Comment: the same text as in the submission from Illumina Laboratory Services, Illumina above.

Breakthrough Genomics
Classification: Likely benign. Review status: criteria provided, single submitter. Criteria: ACMG Guidelines, 2015. Collection method: not provided. Allele origin: germline. Inheritance: Autosomal recessive inheritance. Affected: yes.

PreventionGenetics, part of Exact Sciences
Classification: Benign. Review status: criteria provided, single submitter. Criteria: ACMG Guidelines, 2015. Collection method: clinical testing. Allele origin: germline.

NM_000130.5(F5):c.1238T>C (p.Met413Thr)

Gene: F5 (coagulation factor V; minus strand). Cytogenetic location: 1q24.2.
Variant type: single nucleotide variant.
Coding change: c.1238T>C on transcript NM_000130.5 (MANE Select); coding-DNA position 1238, T replaced by C.
Protein change: p.Met413Thr; replaces methionine 413 with threonine.
Molecular consequence: missense variant.
Genome position (GRCh38, 1-based): chr1:169,552,615, A>G on the plus strand (T>C on the coding strand, the complement: F5 is on the minus strand). VCF-style: chr1-169552615-A-G. GRCh37 (hg19) VCF-style: chr1-169521853-A-G.
Other names: short protein forms M413T.
Identifiers: ClinVar variation 255188 (VCV000255188.14), dbSNP rs6033, ClinGen allele CA1234386.